The following is an entry in ClinVar:

ClinVar aggregate classification (germline): Likely pathogenic (1 of 4 stars; one submission).

Submission:

Genetics Laboratory, UDIAT-Centre Diagnòstic, Hospital Universitari Parc Tauli
Classification: Likely pathogenic. Last evaluated: 2021-04-26. Review status: criteria provided, single submitter. Criteria: Parc Tauli Hospital Assertion Criteria 2021. Collection method: clinical testing. Allele origin: de novo. Inheritance: Autosomal dominant inheritance. Affected: yes. Observed: 1 heterozygote.
Comment: PM2_supporting;PM6_moderate;PP2_supporting;PP3_supporting

NM_015335.5(MED13L):c.6583C>T (p.His2195Tyr)

Gene: MED13L (mediator complex subunit 13L; minus strand). Cytogenetic location: 12q24.21.
Variant type: single nucleotide variant.
Coding change: c.6583C>T on transcript NM_015335.5 (MANE Select); coding-DNA position 6583, C replaced by T.
Protein change: p.His2195Tyr; replaces histidine 2195 with tyrosine.
Molecular consequence: missense variant.
Genome position (GRCh38, 1-based): chr12:115,961,316, G>A on the plus strand (C>T on the coding strand, the complement: MED13L is on the minus strand). VCF-style: chr12-115961316-G-A. GRCh37 (hg19) VCF-style: chr12-116399121-G-A.
Other names: short protein forms H2195Y.
Identifiers: ClinVar variation 1098385 (VCV001098385.2), dbSNP rs2137182061, ClinGen allele CA386872536.